The following is an entry in ClinVar:

NM_198060.4(NRAP):c.2974-6C>T

Gene: NRAP (nebulin related anchoring protein; minus strand). Cytogenetic location: 10q25.3.
Variant type: single nucleotide variant.
Coding change: c.2974-6C>T on transcript NM_198060.4 (MANE Select); 6 bases into the intron before coding-DNA position 2974, C replaced by T.
Molecular consequence: intron variant.
Genome position (GRCh38, 1-based): chr10:113,615,822, G>A on the plus strand (C>T on the coding strand, the complement: NRAP is on the minus strand). VCF-style: chr10-113615822-G-A. GRCh37 (hg19) VCF-style: chr10-115375581-G-A.
Other names: c.2869-6C>T (NM_006175.5); c.2866-6C>T (NM_001322945.2); c.2974-6C>T (NM_001261463.2).
Identifiers: ClinVar variation 4998940 (VCV004998940.1).

ClinVar aggregate classification (germline): Likely benign (1 of 4 stars; one submission).

Conditions:
NRAP-related disorder. Also called: NRAP-related condition.

gnomAD v4.1: 2 of 1,511,898 alleles (0.00013%); highest among the groups gnomAD compares: Non-Finnish European, 0.000092%; no homozygotes.

Submission:

PreventionGenetics, part of Exact Sciences
Classification: Likely benign for NRAP-related condition. Last evaluated: 2025-03-30. Review status: criteria provided, single submitter. Criteria: ACMG Guidelines, 2015. Collection method: clinical testing. Allele origin: germline.
Comment: This variant is classified as likely benign based on ACMG/AMP sequence variant interpretation guidelines (Richards et al. 2015 PMID: 25741868, with internal and published modifications).